The following is an entry in ClinVar:

ClinVar aggregate classification (germline): Uncertain significance (1 of 4 stars; one submission).

Conditions:
Hereditary nonpolyposis colorectal neoplasms. Identifiers: MedGen C0009405, MeSH D003123.

Submission:

Labcorp Genetics (formerly Invitae), Labcorp
Classification: Uncertain significance for Hereditary nonpolyposis colorectal neoplasms. Last evaluated: 2025-10-16. Review status: criteria provided, single submitter. Criteria: Invitae Variant Classification Sherloc (09022015). Collection method: clinical testing. Allele origin: germline.
Comment: This sequence change replaces valine, which is neutral and non-polar, with isoleucine, which is neutral and non-polar, at codon 336 of the PMS2 protein (p.Val336Ile). This variant is not present in population databases (gnomAD no frequency). This variant has not been reported in the literature in individuals affected with PMS2-related conditions. ClinVar contains an entry for this variant (Variation ID: 2889113). Invitae Evidence Modeling incorporating data from in vitro experimental studies (internal data) indicates that this missense variant is not expected to disrupt PMS2 function with a negative predictive value of 95%. In summary, the available evidence is currently insufficient to determine the role of this variant in disease. Therefore, it has been classified as a Variant of Uncertain Significance.

NM_000535.7(PMS2):c.1006G>A (p.Val336Ile)

Gene: PMS2 (PMS1 homolog 2, mismatch repair system component; minus strand). Cytogenetic location: 7p22.1.
Variant type: single nucleotide variant.
Coding change: c.1006G>A on transcript NM_000535.7 (MANE Select); coding-DNA position 1006, G replaced by A.
Protein change: p.Val336Ile; replaces valine 336 with isoleucine.
Molecular consequence: missense variant. On other transcripts: non-coding transcript variant (1), intron variant (10).
Genome position (GRCh38, 1-based): chr7:5,989,938, C>T on the plus strand (G>A on the coding strand, the complement: PMS2 is on the minus strand). VCF-style: chr7-5989938-C-T. GRCh37 (hg19) VCF-style: chr7-6029569-C-T.
Other names: c.1006G>A, p.Val336Ile (NM_001406871.1, NM_001406872.1, NM_001322014.2); c.808G>A, p.Val270Ile (NM_001406873.1); c.838G>A, p.Val280Ile (NM_001406874.1); c.697G>A, p.Val233Ile (NM_001406875.1, NM_001406877.1, NM_001406878.1 and 5 more transcripts); c.688G>A, p.Val230Ile (NM_001406876.1, NM_001406903.1, NM_001322007.2 and 2 more transcripts); c.601G>A, p.Val201Ile (NM_001406891.1, NM_001406892.1, NM_001406893.1 and 17 more transcripts); c.73G>A, p.Val25Ile (NM_001322011.2, NM_001322012.2); c.433G>A, p.Val145Ile (NM_001322013.2, NM_001406909.1); and 13 more; short protein forms V344I, V79I, V145I, V214I, V270I, V300I, V398I, V224I.
Identifiers: ClinVar variation 2889113 (VCV002889113.3), dbSNP rs1783550031, ClinGen allele CA366743005.